The following is an entry in ClinVar:

ClinVar aggregate classification (germline): Benign. Review status: criteria provided, multiple submitters, no conflicts (2 of 4 stars). 6 submissions from 6 submitters: Benign (6). Last evaluated 2026-02-01.

Conditions:
Pseudohypoaldosteronism type 2C (PHA2C). Also called: Pseudohypoaldosteronism Type IIC. Identifiers: Orphanet 757, Orphanet 88940, MedGen C1840391, MONDO:0013778, OMIM 614492.
Neuropathy, hereditary sensory and autonomic, type 2A (HSAN2A). Also called: MORVAN DISEASE; NEUROPATHY, CONGENITAL SENSORY; NEUROPATHY, HEREDITARY SENSORY RADICULAR, AUTOSOMAL RECESSIVE; NEUROPATHY, HEREDITARY SENSORY, TYPE IIA; NEUROPATHY, PROGRESSIVE SENSORY, OF CHILDREN; ACROOSTEOLYSIS, GIACCAI TYPE. Identifiers: Orphanet 970, MedGen C2752089, MONDO:0024309, OMIM 201300.

Allele frequency attached by ClinVar (database versions not stated): gnomAD exomes 0.02033; ESP Exome Variant Server 0.00062; gnomAD 0.00948 and 0.00974; ExAC 0.01431; 1000 Genomes Project 0.01577; 1000 Genomes Project 30x 0.01577; TOPMed 0.01700.
gnomAD v4.1: 8,237 of 1,614,150 alleles (0.51%); highest among the groups gnomAD compares: Admixed American, 13%; 564 homozygotes.

Submissions (6):

Labcorp Genetics (formerly Invitae), Labcorp
Classification: Benign for Neuropathy, hereditary sensory and autonomic, type 2A; Pseudohypoaldosteronism type 2C. Last evaluated: 2026-02-01. Review status: criteria provided, single submitter. Criteria: Invitae Variant Classification Sherloc (09022015). Collection method: clinical testing. Allele origin: germline.

Blueprint Genetics
Classification: Benign. Last evaluated: 2024-11-27. Review status: criteria provided, single submitter. Criteria: ACMG Guidelines, 2015. Collection method: clinical testing. Allele origin: germline.

Mayo Clinic Laboratories, Mayo Clinic
Classification: Benign. Last evaluated: 2022-03-09. Review status: criteria provided, single submitter. Criteria: ACMG Guidelines, 2015. Collection method: clinical testing. Allele origin: germline. Observed: 25 variant alleles.

GeneDx
Classification: Benign. Last evaluated: 2018-07-10. Review status: criteria provided, single submitter. Criteria: GeneDx Variant Classification Process June 2021. Collection method: clinical testing. Allele origin: germline. Affected: yes.

Illumina Laboratory Services, Illumina
Classification: Benign for Pseudohypoaldosteronism type 2C. Last evaluated: 2018-01-12. Review status: criteria provided, single submitter. Criteria: ICSL Variant Classification Criteria 13 December 2019. Collection method: clinical testing. Allele origin: germline.
Comment: This variant was observed in the ICSL laboratory as part of a predisposition screen in an ostensibly healthy population. It had not been previously curated by ICSL or reported in the Human Gene Mutation Database (HGMD: prior to June 1st, 2018), and was therefore a candidate for classification through an automated scoring system. Utilizing variant allele frequency, disease prevalence and penetrance estimates, and inheritance mode, an automated score was calculated to assess if this variant is too frequent to cause the disease. Based on the score and internal cut-off values, a variant classified as benign is not then subjected to further curation. The score for this variant resulted in a classification of benign for this disease.

Breakthrough Genomics
Classification: Benign. Review status: criteria provided, single submitter. Criteria: ACMG Guidelines, 2015. Collection method: not provided. Allele origin: germline. Inheritance: Autosomal recessive inheritance. Affected: yes.

NM_018979.4(WNK1):c.5397A>G (p.Gln1799=)

Gene: WNK1 (WNK lysine deficient protein kinase 1; plus strand). Cytogenetic location: 12p13.33.
Variant type: single nucleotide variant.
Coding change: c.5397A>G on transcript NM_018979.4 (MANE Select); coding-DNA position 5397, A replaced by G.
Protein change: p.Gln1799=; no amino-acid change (glutamine 1799 retained).
Molecular consequence: synonymous variant.
Genome position (GRCh38, 1-based): chr12:889,172, A>G. VCF-style: chr12-889172-A-G. GRCh37 (hg19) VCF-style: chr12-998338-A-G.
Other names: p.Gln1799=; c.6177A>G, p.Gln2059= (NM_001184985.2); c.4656A>G, p.Gln1552= (NM_014823.3); c.6153A>G, p.Gln2051= (NM_213655.5).
Identifiers: ClinVar variation 310835 (VCV000310835.18), dbSNP rs148639270, ClinGen allele CA6383160.